The following is an entry in ClinVar:

ClinVar aggregate classification (germline): Uncertain significance (1 of 4 stars; one submission).

Conditions:
POLD1-related polyposis and colorectal cancer syndrome (CRCS10). Also called: Colorectal cancer 10; COLORECTAL CANCER, SUSCEPTIBILITY TO, ON CHROMOSOME 19q; Colorectal cancer, susceptibility to, 10. Identifiers: Orphanet 220460, MedGen C2675481, MONDO:0012953, OMIM 612591.

Submission:

Labcorp Genetics (formerly Invitae), Labcorp
Classification: Uncertain significance for POLD1-related polyposis and colorectal cancer syndrome. Last evaluated: 2023-02-13. Review status: criteria provided, single submitter. Criteria: Invitae Variant Classification Sherloc (09022015). Collection method: clinical testing. Allele origin: germline.
Comment: This sequence change replaces arginine, which is basic and polar, with glycine, which is neutral and non-polar, at codon 443 of the POLD1 protein (p.Arg443Gly). This variant is not present in population databases (gnomAD no frequency). This variant has not been reported in the literature in individuals affected with POLD1-related conditions. ClinVar contains an entry for this variant (Variation ID: 581764). Advanced modeling of protein sequence and biophysical properties (such as structural, functional, and spatial information, amino acid conservation, physicochemical variation, residue mobility, and thermodynamic stability) performed at Invitae indicates that this missense variant is not expected to disrupt POLD1 protein function. In summary, the available evidence is currently insufficient to determine the role of this variant in disease. Therefore, it has been classified as a Variant of Uncertain Significance.

NM_002691.4(POLD1):c.1327C>G (p.Arg443Gly)

Gene: POLD1 (DNA polymerase delta 1, catalytic subunit; plus strand). Cytogenetic location: 19q13.33.
Variant type: single nucleotide variant.
Coding change: c.1327C>G on transcript NM_002691.4 (MANE Select); coding-DNA position 1327, C replaced by G.
Protein change: p.Arg443Gly; replaces arginine 443 with glycine.
Molecular consequence: missense variant. On other transcripts: non-coding transcript variant (1).
Genome position (GRCh38, 1-based): chr19:50,406,266, C>G. VCF-style: chr19-50406266-C-G. GRCh37 (hg19) VCF-style: chr19-50909523-C-G.
Other names: c.1327C>G, p.Arg443Gly (NM_001256849.1, NM_001308632.1); short protein forms R443G.
Identifiers: ClinVar variation 581764 (VCV000581764.8), dbSNP rs1568626243, ClinGen allele CA406979878.
Genomic context (GRCh38, chr19:50,406,266, plus strand): 5'-CGTGTGGCCGGCCTTTGCTCCAACATCCGGGACTCTTCATTCCAGTCCAAGCAGACGGGC[C>G]GGCGGGACACCAAGGTTGTCAGCATGGTGGGCCGCGTGCAGATGGACATGCTGCAGGTAT-3'
Protein context (NP_002682.2, residues 433-453): DSSFQSKQTG[Arg443Gly]RDTKVVSMVG